The following is an entry in ClinVar:

ClinVar aggregate classification (germline): Uncertain significance (1 of 4 stars; one submission).

Conditions:
Autosomal recessive limb-girdle muscular dystrophy type 2Y (MRRSDC). Also called: Muscular dystrophy, autosomal recessive, with rigid spine and distal joint contractures; Muscular dystrophy, limb-girdle, type 2y. Identifiers: Orphanet 424261, MedGen C4511482, MONDO:0014900, OMIM 617072.

Allele frequency attached by ClinVar (database versions not stated): gnomAD 0.00003 and 0.00004; gnomAD exomes 0.00004 and 0.00008; TOPMed 0.00005; ExAC 0.00008.
gnomAD v4.1: 28 of 1,614,082 alleles (0.0017%); highest among the groups gnomAD compares: Admixed American, 0.042%; no homozygotes.

Submission:

Labcorp Genetics (formerly Invitae), Labcorp
Classification: Uncertain significance for Autosomal recessive limb-girdle muscular dystrophy type 2Y. Last evaluated: 2022-05-13. Review status: criteria provided, single submitter. Criteria: Invitae Variant Classification Sherloc (09022015). Collection method: clinical testing. Allele origin: germline.
Comment: This sequence change replaces arginine, which is basic and polar, with glutamine, which is neutral and polar, at codon 91 of the TOR1AIP1 protein (p.Arg91Gln). This variant is present in population databases (rs769686590, gnomAD 0.04%). This variant has not been reported in the literature in individuals affected with TOR1AIP1-related conditions. ClinVar contains an entry for this variant (Variation ID: 542848). Algorithms developed to predict the effect of missense changes on protein structure and function are either unavailable or do not agree on the potential impact of this missense change (SIFT: "Deleterious"; PolyPhen-2: "Benign"; Align-GVGD: "Class C0"). In summary, the available evidence is currently insufficient to determine the role of this variant in disease. Therefore, it has been classified as a Variant of Uncertain Significance.

NM_015602.4(TOR1AIP1):c.272G>A (p.Arg91Gln)

Genes: TOR1AIP1 (torsin 1A interacting protein 1; plus strand), LOC112577517 (Sharpr-MPRA regulatory region 13766; plus strand). Cytogenetic location: 1q25.2.
Variant type: single nucleotide variant.
Coding change: c.272G>A on transcript NM_015602.4 (MANE Select); coding-DNA position 272, G replaced by A.
Protein change: p.Arg91Gln; replaces arginine 91 with glutamine.
Molecular consequence: missense variant.
Genome position (GRCh38, 1-based): chr1:179,882,774, G>A. VCF-style: chr1-179882774-G-A. GRCh37 (hg19) VCF-style: chr1-179851909-G-A.
Other names: c.272G>A, p.Arg91Gln (NM_001267578.2); short protein forms R91Q.
Identifiers: ClinVar variation 542848 (VCV000542848.3), dbSNP rs769686590, ClinGen allele CA1268701.